The following is an entry in ClinVar:

NM_000096.4(CP):c.92C>T (p.Thr31Met)

Gene: CP (ceruloplasmin; minus strand). Cytogenetic location: 3q25.1.
Variant type: single nucleotide variant.
Coding change: c.92C>T on transcript NM_000096.4 (MANE Select); coding-DNA position 92, C replaced by T.
Protein change: p.Thr31Met; replaces threonine 31 with methionine.
Molecular consequence: missense variant. On other transcripts: non-coding transcript variant (1).
Genome position (GRCh38, 1-based): chr3:149,221,701, G>A on the plus strand (C>T on the coding strand, the complement: CP is on the minus strand). VCF-style: chr3-149221701-G-A. GRCh37 (hg19) VCF-style: chr3-148939488-G-A.
Other names: c.92C>T (NM_000096.3); short protein forms T31M.
Identifiers: ClinVar variation 1351260 (VCV001351260.6), dbSNP rs139978529, ClinGen allele CA2661407.

ClinVar aggregate classification (germline): Uncertain significance. Review status: criteria provided, multiple submitters, no conflicts (2 of 4 stars). 2 submissions from 2 submitters: Uncertain significance (2). Last evaluated 2025-03-24.

Conditions:
Deficiency of ferroxidase (ACEP). Also called: Aceruloplasminemia; Ceruloplasmin deficiency; Familial apoceruloplasmin deficiency; Hereditary ceruloplasmin deficiency; Deficiency of ceruloplasmin; NEURODEGENERATION WITH BRAIN IRON ACCUMULATION 10. Identifiers: Orphanet 48818, MedGen C0878682, MONDO:0011426, OMIM 604290, HP:0025498.
Inborn genetic diseases. Identifiers: MedGen C0950123, MeSH D030342.

Allele frequency attached by ClinVar (database versions not stated): gnomAD exomes 0.00003 and 0.00001; ExAC 0.00001; gnomAD 0.00003; ESP Exome Variant Server 0.00008.
gnomAD v4.1: 46 of 1,612,968 alleles (0.0029%); highest among the groups gnomAD compares: African/African-American, 0.011%; no homozygotes.

Submissions (2):

Ambry Genetics
Classification: Uncertain significance for Inborn genetic diseases. Last evaluated: 2025-03-24. Review status: criteria provided, single submitter. Criteria: Ambry Variant Classification Scheme 2023. Collection method: clinical testing. Allele origin: germline.

Labcorp Genetics (formerly Invitae), Labcorp
Classification: Uncertain significance for Deficiency of ferroxidase. Last evaluated: 2021-11-01. Review status: criteria provided, single submitter. Criteria: Invitae Variant Classification Sherloc (09022015). Collection method: clinical testing. Allele origin: germline.
Comment: In summary, the available evidence is currently insufficient to determine the role of this variant in disease. Therefore, it has been classified as a Variant of Uncertain Significance. Algorithms developed to predict the effect of missense changes on protein structure and function are either unavailable or do not agree on the potential impact of this missense change (SIFT: "Deleterious"; PolyPhen-2: "Benign"; Align-GVGD: "Class C0"). This variant has not been reported in the literature in individuals affected with CP-related conditions. This variant is present in population databases (rs139978529, gnomAD 0.008%). This sequence change replaces threonine, which is neutral and polar, with methionine, which is neutral and non-polar, at codon 31 of the CP protein (p.Thr31Met).